The following is an entry in ClinVar:

NM_006494.4(ERF):c.494G>T (p.Cys165Phe)

Gene: ERF (ETS2 repressor factor; minus strand). Cytogenetic location: 19q13.2.
Variant type: single nucleotide variant.
Coding change: c.494G>T on transcript NM_006494.4 (MANE Select); coding-DNA position 494, G replaced by T.
Protein change: p.Cys165Phe; replaces cysteine 165 with phenylalanine.
Molecular consequence: missense variant.
Genome position (GRCh38, 1-based): chr19:42,249,618, C>A on the plus strand (G>T on the coding strand, the complement: ERF is on the minus strand). VCF-style: chr19-42249618-C-A. GRCh37 (hg19) VCF-style: chr19-42753770-C-A.
Other names: c.269G>T, p.Cys90Phe (NM_001301035.2, NM_001308402.2, NM_001312656.2); short protein forms C165F, C90F.
Identifiers: ClinVar variation 3252721 (VCV003252721.1), dbSNP rs2513523259.

ClinVar aggregate classification (germline): Uncertain significance (1 of 4 stars; one submission).

Submission:

GeneDx
Classification: Uncertain significance. Last evaluated: 2023-10-05. Review status: criteria provided, single submitter. Criteria: GeneDx Variant Classification Process June 2021. Collection method: clinical testing. Allele origin: germline. Affected: yes.
Comment: Not observed at significant frequency in large population cohorts (gnomAD); In silico analysis supports that this missense variant does not alter protein structure/function; Has not been previously published as pathogenic or benign to our knowledge